The following is an entry in ClinVar:

ClinVar aggregate classification (germline): Uncertain significance (1 of 4 stars; one submission).

Conditions:
Primary ciliary dyskinesia. Also called: Ciliary dyskinesia. Identifiers: Orphanet 244, MedGen C0008780, MONDO:0016575, HP:0012265.

Allele frequency attached by ClinVar (database versions not stated): ExAC 0.00002; TOPMed 0.00003; ESP Exome Variant Server 0.00008; 1000 Genomes Project 30x 0.00016; 1000 Genomes Project 0.00020.
gnomAD v4.1: 40 of 1,613,320 alleles (0.0025%); highest among the groups gnomAD compares: Middle Eastern, 0.017%; no homozygotes.

Submission:

Labcorp Genetics (formerly Invitae), Labcorp
Classification: Uncertain significance for Primary ciliary dyskinesia. Last evaluated: 2021-08-28. Review status: criteria provided, single submitter. Criteria: Invitae Variant Classification Sherloc (09022015). Collection method: clinical testing. Allele origin: germline.
Comment: This sequence change replaces arginine with glutamine at codon 80 of the DRC1 protein (p.Arg80Gln). The arginine residue is moderately conserved and there is a small physicochemical difference between arginine and glutamine. This variant is present in population databases (rs148643291, ExAC 0.005%). This variant has not been reported in the literature in individuals affected with DRC1-related conditions. Algorithms developed to predict the effect of missense changes on protein structure and function are either unavailable or do not agree on the potential impact of this missense change (SIFT: "Tolerated"; PolyPhen-2: "Not Available"; Align-GVGD: "Class C0"). In summary, the available evidence is currently insufficient to determine the role of this variant in disease. Therefore, it has been classified as a Variant of Uncertain Significance.

NM_145038.5(DRC1):c.239G>A (p.Arg80Gln)

Gene: DRC1 (dynein regulatory complex subunit 1; plus strand). Cytogenetic location: 2p23.3.
Variant type: single nucleotide variant.
Coding change: c.239G>A on transcript NM_145038.5 (MANE Select); coding-DNA position 239, G replaced by A.
Protein change: p.Arg80Gln; replaces arginine 80 with glutamine.
Molecular consequence: missense variant.
Genome position (GRCh38, 1-based): chr2:26,414,427, G>A. VCF-style: chr2-26414427-G-A. GRCh37 (hg19) VCF-style: chr2-26637295-G-A.
Other names: short protein forms R80Q.
Identifiers: ClinVar variation 1487431 (VCV001487431.5), dbSNP rs148643291, ClinGen allele CA1561805.
Genomic context (GRCh38, chr2:26,414,427, plus strand): 5'-ATGGGAAGAAGGAGAGTGAGGAGGATCAAAGCAAGAGCTACAAACAGAAAGAAGAAAGCC[G>A]ATTGGTATGAACTGGTTGGCAGATGGGCTCTGGAAGACCAGTGAGCTGGGTGTGACATCA-3'
Protein context (NP_659475.2, residues 70-90): SKSYKQKEES[Arg80Gln]LKLAKLLLCG